The following is an entry in ClinVar:

ClinVar aggregate classification (germline): Uncertain significance (1 of 4 stars; one submission).

Conditions:
Progressive myoclonic epilepsy. Also called: Myoclonus epilepsy; Familial progressive myoclonic epilepsy; Myoclonic Epilepsies, Progressive; Progressive myoclonus epilepsy. Identifiers: Orphanet 308, Orphanet 98261, MedGen C0751778, MONDO:0020074.

Submission:

Labcorp Genetics (formerly Invitae), Labcorp
Classification: Uncertain significance for Progressive myoclonic epilepsy. Last evaluated: 2022-10-27. Review status: criteria provided, single submitter. Criteria: Invitae Variant Classification Sherloc (09022015). Collection method: clinical testing. Allele origin: germline.
Comment: This variant is present in population databases (no rsID available, gnomAD 0.07%). In summary, the available evidence is currently insufficient to determine the role of this variant in disease. Therefore, it has been classified as a Variant of Uncertain Significance. Algorithms developed to predict the effect of missense changes on protein structure and function are either unavailable or do not agree on the potential impact of this missense change (SIFT: "Not Available"; PolyPhen-2: "Benign"; Align-GVGD: "Not Available"). This variant has not been reported in the literature in individuals affected with EPM2A-related conditions. This sequence change replaces glutamic acid, which is acidic and polar, with leucine, which is neutral and non-polar, at codon 100 of the EPM2A protein (p.Glu100Leu).

NM_005670.4(EPM2A):c.298_299delinsTT (p.Glu100Leu)

Genes: EPM2A (EPM2A glucan phosphatase, laforin; minus strand), EPM2A-DT (EPM2A divergent transcript; plus strand), LOC129997381 (ATAC-STARR-seq lymphoblastoid silent region 17642; plus strand). Cytogenetic location: 6q24.3.
Variant type: Indel.
Coding change: c.298_299delinsTT on transcript NM_005670.4 (MANE Select); coding-DNA positions 298 to 299, GA replaced by TT.
Protein change: p.Glu100Leu; replaces glutamic acid 100 with leucine.
Molecular consequence: missense variant. On other transcripts: 5 prime UTR variant (2), intron variant (2).
Genome position (GRCh38, 1-based): chr6:145,735,200-145,735,201, TC replaced by AA on the plus strand (GA replaced by TT on the coding strand, the reverse complement: EPM2A is on the minus strand). VCF-style: chr6-145735200-TC-AA. GRCh37 (hg19) VCF-style: chr6-146056336-TC-AA.
Other names: c.298_299delinsTT, p.Glu100Leu (NM_001018041.2, NM_001360057.2, NM_001368130.1); c.-372_-371delinsTT (NM_001360071.2); c.-326_-325delinsTT (NM_001368129.2); c.-114+707_-114+708delinsTT (NM_001360064.2); c.-114+44_-114+45delinsTT (NM_001368131.1); short protein forms E100L.
Identifiers: ClinVar variation 2809022 (VCV002809022.3), dbSNP rs2534171638, ClinGen allele CA2739266196.
Genomic context (GRCh38, chr6:145,735,200, plus strand): 5'-TGGGGGTGCGGGCCGGAGCTCCCGCTCTGCGCCGGGGGCAGGCGTCTGCTGGCAATACCT[TC>AA]CCAGGAGAGCTCTCCTCCCGGCTCCCGCTTCAGGAACTTGTACCAGAACGTGTCCACGCG-3'
Protein context (NP_005661.1, residues 90-110): KREPGGELSW[Glu100Leu]GNGPHHDRCC